The following is an entry in ClinVar:

NM_017617.5(NOTCH1):c.3505T>G (p.Cys1169Gly)

Gene: NOTCH1 (notch receptor 1; minus strand). Cytogenetic location: 9q34.3.
Variant type: single nucleotide variant.
Coding change: c.3505T>G on transcript NM_017617.5 (MANE Select); coding-DNA position 3505, T replaced by G.
Protein change: p.Cys1169Gly; replaces cysteine 1169 with glycine.
Molecular consequence: missense variant.
Genome position (GRCh38, 1-based): chr9:136,507,960, A>C on the plus strand (T>G on the coding strand, the complement: NOTCH1 is on the minus strand). VCF-style: chr9-136507960-A-C. GRCh37 (hg19) VCF-style: chr9-139402412-A-C.
Other names: short protein forms C1169G.
Identifiers: ClinVar variation 3359635 (VCV003359635.1).

ClinVar aggregate classification (germline): Uncertain significance (1 of 4 stars; one submission).

Submission:

GeneDx
Classification: Uncertain significance. Last evaluated: 2023-06-11. Review status: criteria provided, single submitter. Criteria: GeneDx Variant Classification Process June 2021. Collection method: clinical testing. Allele origin: germline. Affected: yes.
Comment: Not observed at significant frequency in large population cohorts (gnomAD); In silico analysis supports that this missense variant has a deleterious effect on protein structure/function; Has not been previously published as pathogenic or benign to our knowledge